The following is an entry in ClinVar:

NM_014975.3(MAST1):c.4073A>G (p.Lys1358Arg)

Gene: MAST1 (microtubule associated serine/threonine kinase 1; plus strand). Cytogenetic location: 19p13.13.
Variant type: single nucleotide variant.
Coding change: c.4073A>G on transcript NM_014975.3 (MANE Select); coding-DNA position 4073, A replaced by G.
Protein change: p.Lys1358Arg; replaces lysine 1358 with arginine.
Molecular consequence: missense variant.
Genome position (GRCh38, 1-based): chr19:12,874,230, A>G. VCF-style: chr19-12874230-A-G. GRCh37 (hg19) VCF-style: chr19-12985044-A-G.
Other names: short protein forms K1358R.
Identifiers: ClinVar variation 3893527 (VCV003893527.1).
Genomic context (GRCh38, chr19:12,874,230, plus strand): 5'-TGAGCCTGGGCGCGGACCCGTTGCTGCCCGAGGGTGCCTCCAGGCCACCAGTGTCGAGCA[A>G]GGAGAAGGAATCCCCGGGGGGCGCCGAGGCGTGCACCCCACCCCGCGCGACGACCCCCGG-3'
Protein context (NP_055790.1, residues 1348-1368): EGASRPPVSS[Lys1358Arg]EKESPGGAEA

ClinVar aggregate classification (germline): Uncertain significance (1 of 4 stars; one submission).

gnomAD v4.1: 4 of 1,552,044 alleles (0.00026%); highest among the groups gnomAD compares: East Asian, 0.0097%; no homozygotes.

Submission:

GeneDx
Classification: Uncertain significance. Last evaluated: 2024-10-23. Review status: criteria provided, single submitter. Criteria: GeneDx Variant Classification Process June 2021. Collection method: clinical testing. Allele origin: germline. Affected: yes.
Comment: Not observed at significant frequency in large population cohorts (gnomAD); In silico analysis indicates that this missense variant does not alter protein structure/function; Has not been previously published as pathogenic or benign to our knowledge